The following is an entry in ClinVar:

ClinVar aggregate classification (germline): Benign/Likely benign. Review status: criteria provided, multiple submitters, no conflicts (2 of 4 stars). 3 submissions from 3 submitters: Benign (1); Likely benign (2). Last evaluated 2025-06-04.

Conditions:
Tuberous sclerosis 2 (TSC2). Identifiers: Orphanet 805, MedGen C1860707, MONDO:0013199, OMIM 613254.
Hereditary cancer-predisposing syndrome. Also called: Neoplastic Syndromes, Hereditary; Hereditary Cancer Syndrome; Tumor predisposition; Hereditary neoplastic syndrome. Identifiers: Orphanet 140162, MedGen C0027672, MeSH D009386, MONDO:0015356.

Allele frequency attached by ClinVar (database versions not stated): gnomAD exomes below 0.00001.
gnomAD v4.1: 4 of 1,612,954 alleles (0.00025%); highest among the groups gnomAD compares: Non-Finnish European, 0.00034%; no homozygotes.

Submissions (3):

Myriad Genetics, Inc.
Classification: Benign for Tuberous sclerosis 2. Last evaluated: 2025-06-04. Review status: criteria provided, single submitter. Criteria: Myriad Autosomal Dominant, Autosomal Recessive and X-Linked Classification Criteria (2023). Collection method: clinical testing. Allele origin: unknown.
Comment: This variant is considered benign. This variant is a silent/synonymous amino acid change and it is not expected to impact splicing.

Ambry Genetics
Classification: Likely benign for Hereditary cancer-predisposing syndrome. Last evaluated: 2025-05-03. Review status: criteria provided, single submitter. Criteria: Ambry Variant Classification Scheme 2023. Collection method: clinical testing. Allele origin: germline.

Labcorp Genetics (formerly Invitae), Labcorp
Classification: Likely benign for Tuberous sclerosis 2. Last evaluated: 2024-11-02. Review status: criteria provided, single submitter. Criteria: Invitae Variant Classification Sherloc (09022015). Collection method: clinical testing. Allele origin: germline.

NM_000548.5(TSC2):c.4770C>T (p.Asp1590=)

Gene: TSC2 (TSC complex subunit 2; plus strand). Cytogenetic location: 16p13.3.
Variant type: single nucleotide variant.
Coding change: c.4770C>T on transcript NM_000548.5 (MANE Select); coding-DNA position 4770, C replaced by T.
Protein change: p.Asp1590=; no amino-acid change (aspartic acid 1590 retained).
Molecular consequence: synonymous variant.
Genome position (GRCh38, 1-based): chr16:2,086,300, C>T. VCF-style: chr16-2086300-C-T. GRCh37 (hg19) VCF-style: chr16-2136301-C-T.
Other names: c.4569C>T, p.Asp1523= (NM_001077183.3); c.4701C>T, p.Asp1567= (NM_001114382.3); c.4461C>T, p.Asp1487= (NM_001318827.2); c.4425C>T, p.Asp1475= (NM_001318829.2); c.4038C>T, p.Asp1346= (NM_001318831.2); c.4602C>T, p.Asp1534= (NM_001318832.2); c.4572C>T, p.Asp1524= (NM_001363528.2); c.4638C>T, p.Asp1546= (NM_001370404.1); and 1 more.
Identifiers: ClinVar variation 794276 (VCV000794276.12), dbSNP rs1596439135, ClinGen allele CA493043557.
Genomic context (GRCh38, chr16:2,086,300, plus strand): 5'-GTACACGGAGTTCCTGACGGGCCTGGGCCGGCTCATCGAGCTGAAGGACTGCCAGCCGGA[C>T]AAGGTGTACCTGGGAGGCCTGGACGTGTGTGGTGAGGACGGCCAGTTCACCTACTGCTGG-3'
Protein context (NP_000539.2, residues 1580-1600): RLIELKDCQP[Asp1590=]KVYLGGLDVC